The following is an entry in ClinVar:

ClinVar aggregate classification (germline): Uncertain significance (1 of 4 stars; one submission).

Allele frequency attached by ClinVar (database versions not stated): gnomAD exomes below 0.00001 and 0.00002; ExAC 0.00002; gnomAD 0.00005 and 0.00006; TOPMed 0.00006.
gnomAD v4.1: 14 of 1,613,926 alleles (0.00087%); highest among the groups gnomAD compares: African/African-American, 0.019%; no homozygotes.

Submission:

Labcorp Genetics (formerly Invitae), Labcorp
Classification: Uncertain significance. Last evaluated: 2020-11-05. Review status: criteria provided, single submitter. Criteria: Invitae Variant Classification Sherloc (09022015). Collection method: clinical testing. Allele origin: germline.
Comment: In summary, the available evidence is currently insufficient to determine the role of this variant in disease. Therefore, it has been classified as a Variant of Uncertain Significance. This sequence change replaces tyrosine with aspartic acid at codon 221 of the ARHGEF18 protein (p.Tyr221Asp). The tyrosine residue is highly conserved and there is a large physicochemical difference between tyrosine and aspartic acid. This variant is present in population databases (rs759919741, ExAC 0.03%). This variant has not been reported in the literature in individuals with ARHGEF18-related conditions. Algorithms developed to predict the effect of missense changes on protein structure and function are either unavailable or do not agree on the potential impact of this missense change (SIFT: "Deleterious"; PolyPhen-2: "Benign"; Align-GVGD: "Class C15").

NM_001367823.1(ARHGEF18):c.1225T>G (p.Tyr409Asp)

Gene: ARHGEF18 (Rho/Rac guanine nucleotide exchange factor 18; plus strand). Cytogenetic location: 19p13.2.
Variant type: single nucleotide variant.
Coding change: c.1225T>G on transcript NM_001367823.1 (MANE Select); coding-DNA position 1225, T replaced by G.
Protein change: p.Tyr409Asp; replaces tyrosine 409 with aspartic acid.
Molecular consequence: missense variant.
Genome position (GRCh38, 1-based): chr19:7,441,917, T>G. VCF-style: chr19-7441917-T-G. GRCh37 (hg19) VCF-style: chr19-7506803-T-G.
Other names: c.499T>G, p.Tyr167Asp (NM_001130955.2); c.187T>G, p.Tyr63Asp (NM_001367824.1, NM_015318.4); short protein forms Y409D, Y167D, Y63D.
Identifiers: ClinVar variation 1038888 (VCV001038888.8), dbSNP rs759919741, ClinGen allele CA9136411.